The following is an entry in ClinVar:

NM_000484.4(APP):c.355+9G>A

Gene: APP (amyloid beta precursor protein; minus strand). Cytogenetic location: 21q21.3.
Variant type: single nucleotide variant.
Coding change: c.355+9G>A on transcript NM_000484.4 (MANE Select); 9 bases into the intron after coding-DNA position 355, G replaced by A.
Molecular consequence: intron variant.
Genome position (GRCh38, 1-based): chr21:26,089,934, C>T on the plus strand (G>A on the coding strand, the complement: APP is on the minus strand). VCF-style: chr21-26089934-C-T. GRCh37 (hg19) VCF-style: chr21-27462250-C-T.
Other names: c.250+9G>A (NM_001136131.3); c.187+9G>A (NM_001136129.3, NM_001136130.3); c.355+9G>A (NM_001204303.2, NM_201414.3, NM_001385253.1 and 3 more transcripts); c.340+9G>A (NM_001136016.3).
Identifiers: ClinVar variation 339647 (VCV000339647.16), dbSNP rs371324252, ClinGen allele CA9987691.
Genomic context (GRCh38, chr21:26,089,934, plus strand): 5'-AGCATCCTCTTTTTCTTCCCTCAAGACCAGGCCCCCAATCAACACCAGCCCCACGGCCGG[C>T]CGGCTCACCTAAGCAGCGGTAGGGAATCACAAAGTGGGGATGGGTCTTGCACTGCTTGCG-3'

ClinVar aggregate classification (germline): Benign/Likely benign. Review status: criteria provided, multiple submitters, no conflicts (2 of 4 stars). 5 submissions from 5 submitters: Benign (1); Likely benign (2). 2 of the submissions do not count toward it. Last evaluated 2025-07-08.

Conditions:
Alzheimer disease. Also called: Presenile and senile dementia; Alzheimer's disease. Identifiers: Orphanet 1020, MedGen C0002395, MeSH D000544, MONDO:0004975, HP:0002511.

Allele frequency attached by ClinVar (database versions not stated): ExAC 0.00026; gnomAD exomes 0.00031 and 0.00005; 1000 Genomes Project 30x 0.00094; 1000 Genomes Project 0.00120; TOPMed 0.00011; gnomAD 0.00013 and 0.00018.
gnomAD v4.1: 124 of 1,613,902 alleles (0.0077%); highest among the groups gnomAD compares: East Asian, 0.21%; no homozygotes.

Submissions (5):

Labcorp Genetics (formerly Invitae), Labcorp
Classification: Benign for Alzheimer disease. Last evaluated: 2025-07-08. Review status: criteria provided, single submitter. Criteria: Invitae Variant Classification Sherloc (09022015). Collection method: clinical testing. Allele origin: germline.

Women's Health and Genetics/Laboratory Corporation of America, LabCorp
Classification: Likely benign. Last evaluated: 2023-12-18. Review status: criteria provided, single submitter. Criteria: LabCorp Variant Classification Summary - May 2015. Collection method: clinical testing. Allele origin: germline.

Illumina Laboratory Services, Illumina
Classification: Likely benign for Alzheimer disease type 1. Last evaluated: 2018-01-13. Review status: criteria provided, single submitter. Criteria: ICSL Variant Classification Criteria 13 December 2019. Collection method: clinical testing. Allele origin: germline.
Comment: This variant was observed in the ICSL laboratory as part of a predisposition screen in an ostensibly healthy population. It had not been previously curated by ICSL or reported in the Human Gene Mutation Database (HGMD: prior to June 1st, 2018), and was therefore a candidate for classification through an automated scoring system. Utilizing variant allele frequency, disease prevalence and penetrance estimates, and inheritance mode, an automated score was calculated to assess if this variant is too frequent to cause the disease. Based on the score and internal cut-off values, a variant classified as likely benign is not then subjected to further curation. The score for this variant resulted in a classification of likely benign for this disease.

Clinical Genetics DNA and cytogenetics Diagnostics Lab, Erasmus MC, Erasmus Medical Center
Classification: Likely benign. Review status: no assertion criteria provided. Collection method: clinical testing. Allele origin: germline. Affected: yes. Study: VKGL Data-share Consensus. Not counted in ClinVar's aggregate classification.

Laboratory of Diagnostic Genome Analysis, Leiden University Medical Center (LUMC)
Classification: Likely benign. Review status: no assertion criteria provided. Collection method: clinical testing. Allele origin: germline. Affected: yes. Study: VKGL Data-share Consensus. Not counted in ClinVar's aggregate classification.